The following is an entry in ClinVar:

NM_003072.5(SMARCA4):c.3826C>A (p.Pro1276Thr)

Gene: SMARCA4 (SWI/SNF related BAF chromatin remodeling complex subunit ATPase 4; plus strand). Cytogenetic location: 19p13.2.
Variant type: single nucleotide variant.
Coding change: c.3826C>A on transcript NM_003072.5 (MANE Select); coding-DNA position 3826, C replaced by A.
Protein change: p.Pro1276Thr; replaces proline 1276 with threonine.
Molecular consequence: missense variant. On other transcripts: intron variant (5).
Genome position (GRCh38, 1-based): chr19:11,033,818, C>A. VCF-style: chr19-11033818-C-A. GRCh37 (hg19) VCF-style: chr19-11144494-C-A.
Other names: c.3826C>A, p.Pro1276Thr (NM_001128844.3, NM_001128849.3, NM_001387283.1); c.3774+301C>A (NM_001128847.4, NM_001374457.1, NM_001128845.2 and 2 more transcripts); short protein forms P1276T.
Identifiers: ClinVar variation 1735299 (VCV001735299.5), dbSNP rs1600393785, ClinGen allele CA404066637.
Genomic context (GRCh38, chr19:11,033,818, plus strand): 5'-TATCCACAGAGCAGACACTGCAGCACGGGCAGCGGCAGTGCCAGCTTCGCCCACACTGCC[C>A]CTCCGCCAGCGGGCGTCAACCCCGACTTGGAGGAGCCACCTCTAAAGGTGAGAGGGGTAG-3'
Protein context (NP_003063.2, residues 1266-1286): SGSASFAHTA[Pro1276Thr]PPAGVNPDLE

ClinVar aggregate classification (germline): Uncertain significance. Review status: criteria provided, multiple submitters, no conflicts (2 of 4 stars). 2 submissions from 2 submitters: Uncertain significance (2). Last evaluated 2023-01-06.

Conditions:
Hereditary cancer-predisposing syndrome. Also called: Neoplastic Syndromes, Hereditary; Tumor predisposition; Hereditary Cancer Syndrome; Hereditary neoplastic syndrome. Identifiers: Orphanet 140162, MedGen C0027672, MeSH D009386, MONDO:0015356.
Rhabdoid tumor predisposition syndrome 2 (RTPS2). Identifiers: Orphanet 231108, Orphanet 69077, MedGen C2750074, MONDO:0013224, OMIM 613325.

Submissions (2):

Labcorp Genetics (formerly Invitae), Labcorp
Classification: Uncertain significance for Rhabdoid tumor predisposition syndrome 2. Last evaluated: 2023-01-06. Review status: criteria provided, single submitter. Criteria: Invitae Variant Classification Sherloc (09022015). Collection method: clinical testing. Allele origin: germline.
Comment: In summary, the available evidence is currently insufficient to determine the role of this variant in disease. Therefore, it has been classified as a Variant of Uncertain Significance. Algorithms developed to predict the effect of missense changes on protein structure and function (SIFT, PolyPhen-2, Align-GVGD) all suggest that this variant is likely to be tolerated. ClinVar contains an entry for this variant (Variation ID: 1735299). This variant has not been reported in the literature in individuals affected with SMARCA4-related conditions. This variant is not present in population databases (gnomAD no frequency). This sequence change replaces proline, which is neutral and non-polar, with threonine, which is neutral and polar, at codon 1276 of the SMARCA4 protein (p.Pro1276Thr).

Ambry Genetics
Classification: Uncertain significance for Hereditary cancer-predisposing syndrome. Last evaluated: 2022-06-28. Review status: criteria provided, single submitter. Criteria: Ambry Variant Classification Scheme 2023. Collection method: clinical testing. Allele origin: germline.
Comment: The p.P1276T variant (also known as c.3826C>A), located in coding exon 26 of the SMARCA4 gene, results from a C to A substitution at nucleotide position 3826. The proline at codon 1276 is replaced by threonine, an amino acid with highly similar properties. This amino acid position is highly conserved in available vertebrate species. In addition, the in silico prediction for this alteration is inconclusive. Missense and in-frame variants in SMARCA4 are known to cause neurodevelopmental disorders; however, such associations with rhabdoid tumor predisposition syndrome including small cell carcinoma of the ovary-hypercalcemic type (SCCOHT) are exceedingly rare (Kosho T et al. Am J Med Genet C Semin Med Genet. 2014 Sep;166C(3):262-75; Jelinic P et al. Nat Genet. 2014 May;46(5):424-6). Based on the supporting evidence, the association of this alteration with Coffin-Siris syndrome is unknown; however, the association of this alteration with rhabdoid tumor predisposition syndrome is unlikely.